The following is an entry in ClinVar:

NM_015915.5(ATL1):c.1614TCA[1] (p.His539del)

Gene: ATL1 (atlastin GTPase 1; plus strand). Cytogenetic location: 14q22.1.
Variant type: Microsatellite.
Coding change: c.1614TCA[1] on transcript NM_015915.5 (MANE Select); one copy of the 3-base unit TCA starting at c.1614; the reference has two copies in a row; one copy, 3 bases deleted.
Protein change: p.His539del; deletes histidine 539.
Molecular consequence: inframe deletion. On other transcripts: inframe indel (2).
Genome position (GRCh38, 1-based): chr14:50,632,279-50,632,281, TCA deleted; deleting any 3 consecutive bases within chr14:50,632,275-50,632,281 gives the same sequence; the position shown is the placement nearest the transcript's 3' end. VCF-style (leftmost placement, unchanged base first): chr14-50632274-TATC-T. GRCh37 (hg19) VCF-style: chr14-51098992-TATC-T.
Other names: c.1599TCA[1], p.His534del (NM_001127713.1, NM_181598.4); c.1614_1616TCA[1], p.His539del (NM_015915.4); c.1617_1619delTCA (NM_015915.4); short protein forms H534del, H539del.
Identifiers: ClinVar variation 3131057 (VCV003131057.1), dbSNP rs1300721545, ClinGen allele CA613870926.

ClinVar aggregate classification (germline): Uncertain significance (1 of 4 stars; one submission).

Conditions:
Inborn genetic diseases. Identifiers: MedGen C0950123, MeSH D030342.

Submission:

Ambry Genetics
Classification: Uncertain significance for Inborn genetic diseases. Last evaluated: 2023-11-20. Review status: criteria provided, single submitter. Criteria: Ambry Variant Classification Scheme 2023. Collection method: clinical testing. Allele origin: germline.
Comment: The c.1617_1619delTCA (p.H539del) alteration is located in exon 14 (coding exon 14) of the ATL1 gene. This alteration consists of an in-frame deletion of 3 nucleotides between nucleotide positions c.1617 and c.1619, resulting in the deletion of <NA> residues. Based on insufficient or conflicting evidence, the clinical significance of this alteration remains unclear.